The following is an entry in ClinVar:

NM_002528.7(NTHL1):c.211del (p.Ala71fs)

Gene: NTHL1 (nth like DNA glycosylase 1; minus strand). Cytogenetic location: 16p13.3.
Variant type: Deletion.
Coding change: c.211del on transcript NM_002528.7 (MANE Select); coding-DNA position 211, one base deleted (G; older notation c.211delG).
Protein change: p.Ala71fs; shifts the reading frame from alanine 71.
Molecular consequence: frameshift variant. On other transcripts: intron variant (1).
Genome position (GRCh38, 1-based): chr16:2,046,271, C deleted on the plus strand (G on the coding strand, the reverse complement: NTHL1 is on the minus strand); the first of 5 consecutive C bases (chr16:2,046,271-2,046,275); deleting any one gives the same sequence. VCF-style (leftmost placement, unchanged base first): chr16-2046270-GC-G. GRCh37 (hg19) VCF-style: chr16-2096271-GC-G.
Other names: c.211del, p.Ala71fs (NM_001318193.2); c.24+9del (NM_001318194.2); short protein forms A71fs.
Identifiers: ClinVar variation 5025917 (VCV005025917.1).
Genomic context (GRCh38, chr16:2,046,270, plus strand): 5'-ATGTTGACCAGCTGTTGCTGCCAGTCCTGGGGCTCCCAGACTGGCACCTTGAGGGGCTCA[GC>G]CCCCTCACCTTTCTCACTGTCCGAGCCCTCATAGGCCACACGCAGTCTCTGTGCTTTCCG-3'

ClinVar aggregate classification (germline): Pathogenic (1 of 4 stars; one submission).

Conditions:
Hereditary cancer-predisposing syndrome. Also called: Neoplastic Syndromes, Hereditary; Tumor predisposition; Hereditary neoplastic syndrome; Hereditary Cancer Syndrome. Identifiers: Orphanet 140162, MedGen C0027672, MeSH D009386, MONDO:0015356.

Submission:

Ambry Genetics
Classification: Pathogenic for Hereditary cancer-predisposing syndrome. Last evaluated: 2026-07-30. Review status: criteria provided, single submitter. Criteria: Ambry Variant Classification Scheme 2023. Collection method: clinical testing. Allele origin: germline.
Comment: The c.235delG pathogenic mutation, located in coding exon 2 of the NTHL1 gene, results from a deletion of one nucleotide at nucleotide position 235, causing a translational frameshift with a predicted alternate stop codon (p.A79Lfs*24). This variant is considered to be rare based on population cohorts in the Genome Aggregation Database (gnomAD). This variant is expected to result in loss of function by premature protein truncation or nonsense-mediated mRNA decay. As such, this variant is interpreted as a disease-causing mutation.